The following is an entry in ClinVar:

NM_153240.5(NPHP3):c.671-998T>C

Genes: NPHP3 (nephrocystin 3; minus strand), NPHP3-ACAD11 (NPHP3-ACAD11 readthrough (NMD candidate); minus strand). Cytogenetic location: 3q22.1.
Variant type: single nucleotide variant.
Coding change: c.671-998T>C on transcript NM_153240.5 (MANE Select); 998 bases into the intron before coding-DNA position 671, T replaced by C.
Molecular consequence: intron variant.
Genome position (GRCh38, 1-based): chr3:132,717,907, A>G on the plus strand (T>C on the coding strand, the complement: NPHP3 is on the minus strand). VCF-style: chr3-132717907-A-G. GRCh37 (hg19) VCF-style: chr3-132436751-A-G.
Identifiers: ClinVar variation 3352367 (VCV003352367.1).

ClinVar aggregate classification (germline): Likely benign (0 of 4 stars; one submission).

Conditions:
NPHP3-related disorder. Also called: NPHP3-related disorders; NPHP3-related condition. Identifiers: MedGen CN379163.

Submission:

PreventionGenetics, part of Exact Sciences
Classification: Likely benign for NPHP3-related condition. Last evaluated: 2024-08-05. Review status: no assertion criteria provided. Collection method: clinical testing. Allele origin: germline.
Comment: This variant is classified as likely benign based on ACMG/AMP sequence variant interpretation guidelines (Richards et al. 2015 PMID: 25741868, with internal and published modifications).